The following is an entry in ClinVar:

NC_000001.10:g.(?_237433797)_(237519285_?)dup

Genes: RYR2 (ryanodine receptor 2; plus strand), LOC126806066 (MED14-independent group 3 enhancer GRCh37_chr1:237451188-237452387; plus strand). Cytogenetic location: 1q43.
Variant type: Duplication.
Identifiers: ClinVar variation 417328 (VCV000417328.2).

ClinVar aggregate classification (germline): Uncertain significance (1 of 4 stars; one submission).

Conditions:
Catecholaminergic polymorphic ventricular tachycardia (CVPT). Also called: Catecholamine-induced polymorphic ventricular tachycardia. Identifiers: Orphanet 3286, MedGen C5574922, MONDO:0017990.

Submission:

Labcorp Genetics (formerly Invitae), Labcorp
Classification: Uncertain significance for Catecholaminergic polymorphic ventricular tachycardia 1. Last evaluated: 2016-08-14. Review status: criteria provided, single submitter. Criteria: Invitae Variant Classification Sherloc (09022015). Collection method: clinical testing. Allele origin: germline.
Comment: This variant is a gross duplication of the genomic region encompassing exons 2-4 of the RYR2 gene. While the exact position of the duplicated exons cannot be determined from this data, the duplicated copy of this region is likely in tandem and in-frame, therefore preserving the integrity of the reading frame. This duplication is not present in population databases and has not been reported in the literature in individuals with a RYR2-related disease. The exact position of the duplicated exons cannot be determined from this data, and the effect of this sequence change is unknown. Therefore, it has been classified as a Variant of Uncertain Significance.